The following is an entry in ClinVar:

ClinVar aggregate classification (germline): Uncertain significance. Review status: criteria provided, multiple submitters, no conflicts (2 of 4 stars). 4 submissions from 4 submitters: Uncertain significance (4). Last evaluated 2026-08-06.

Conditions:
Attention deficit-hyperactivity disorder 8 (ADHD8). Identifiers: MedGen C5677018, MONDO:0859261, OMIM 619957.
Inborn genetic diseases. Identifiers: MedGen C0950123, MeSH D030342.
CDH2-related disorder. Also called: CDH2-related condition.

gnomAD v4.1: 14 of 1,476,696 alleles (0.00095%); highest among the groups gnomAD compares: African/African-American, 0.019%; no homozygotes.

Submissions (4):

OLLIN Analises Genomicas, OLLIN
Classification: Uncertain significance for Attention deficit-hyperactivity disorder 8. Last evaluated: 2026-08-06. Review status: criteria provided, single submitter. Criteria: ACMG Guidelines 2015 PMID 25741868. Collection method: clinical testing. Allele origin: germline. Inheritance: Autosomal recessive inheritance.
Comment: This missense variant, located in exon 1 (of 16), has been reported in ClinVar (accession VCV001933814.7) and in gnomAD with an allele frequency of 0.00095%. However, to our knowledge, it has not been reported in the scientific literature. In silico analysis predicts that this variant has a tolerated effect. According to the currently available evidence, this variant has been classified as uncertain significance (BP4).

PreventionGenetics, part of Exact Sciences
Classification: Uncertain significance for CDH2-related condition. Last evaluated: 2026-07-07. Review status: criteria provided, single submitter. Criteria: ACMG Guidelines, 2015. Collection method: clinical testing. Allele origin: germline.
Comment: The CDH2 c.28A>C variant is predicted to result in the amino acid substitution p.Thr10Pro. To our knowledge, this variant has not been reported in the literature or in a large population database (gnomAD), indicating this variant is rare. At this time, the clinical significance of this variant is uncertain due to the absence of conclusive functional and genetic evidence.

Labcorp Genetics (formerly Invitae), Labcorp
Classification: Uncertain significance. Last evaluated: 2025-09-27. Review status: criteria provided, single submitter. Criteria: Invitae Variant Classification Sherloc (09022015). Collection method: clinical testing. Allele origin: germline.
Comment: This sequence change replaces threonine, which is neutral and polar, with proline, which is neutral and non-polar, at codon 10 of the CDH2 protein (p.Thr10Pro). This variant is not present in population databases (gnomAD no frequency). This variant has not been reported in the literature in individuals affected with CDH2-related conditions. ClinVar contains an entry for this variant (Variation ID: 1797406). An algorithm developed to predict the effect of missense changes on protein structure and function (PolyPhen-2) suggests that this variant is likely to be tolerated. In summary, the available evidence is currently insufficient to determine the role of this variant in disease. Therefore, it has been classified as a Variant of Uncertain Significance.

Ambry Genetics
Classification: Uncertain significance for Inborn genetic diseases. Last evaluated: 2025-08-08. Review status: criteria provided, single submitter. Criteria: Ambry Variant Classification Scheme 2023. Collection method: clinical testing. Allele origin: germline.

NM_001792.5(CDH2):c.28A>C (p.Thr10Pro)

Gene: CDH2 (cadherin 2; minus strand). Cytogenetic location: 18q12.1.
Variant type: single nucleotide variant.
Coding change: c.28A>C on transcript NM_001792.5 (MANE Select); coding-DNA position 28, A replaced by C.
Protein change: p.Thr10Pro; replaces threonine 10 with proline.
Molecular consequence: missense variant.
Genome position (GRCh38, 1-based): chr18:28,176,995, T>G on the plus strand (A>C on the coding strand, the complement: CDH2 is on the minus strand). VCF-style: chr18-28176995-T-G. GRCh37 (hg19) VCF-style: chr18-25756959-T-G.
Other names: c.28A>C (NM_001792.4); short protein forms T10P.
Identifiers: ClinVar variation 1797406 (VCV001797406.9), dbSNP rs879030779, ClinGen allele CA402245110.